The following is an entry in ClinVar:

NM_000238.4(KCNH2):c.172G>T (p.Glu58Ter)

Gene: KCNH2 (potassium voltage-gated channel subfamily H member 2; minus strand). Cytogenetic location: 7q36.1.
Variant type: single nucleotide variant.
Coding change: c.172G>T on transcript NM_000238.4 (MANE Select); coding-DNA position 172, G replaced by T.
Protein change: p.Glu58Ter; replaces glutamic acid 58 with a stop codon.
Molecular consequence: nonsense. On other transcripts: 5 prime UTR variant (1), non-coding transcript variant (1).
Genome position (GRCh38, 1-based): chr7:150,974,846, C>A on the plus strand (G>T on the coding strand, the complement: KCNH2 is on the minus strand). VCF-style: chr7-150974846-C-A. GRCh37 (hg19) VCF-style: chr7-150671934-C-A.
Other names: c.-6G>T (NM_001406755.1); c.172G>T, p.Glu58Ter (NM_172056.3); short protein forms E58*.
Identifiers: ClinVar variation 2746100 (VCV002746100.3), dbSNP rs199473413, ClinGen allele CA369865747.

ClinVar aggregate classification (germline): Pathogenic (1 of 4 stars; one submission).

Conditions:
Long QT syndrome (LQTS). Identifiers: MedGen C0023976, MeSH D008133, MONDO:0002442. Disease mechanism: loss of function. Inheritance: Various modes of inheritance.

Submission:

Labcorp Genetics (formerly Invitae), Labcorp
Classification: Pathogenic for Long QT syndrome. Last evaluated: 2023-07-24. Review status: criteria provided, single submitter. Criteria: Invitae Variant Classification Sherloc (09022015). Collection method: clinical testing. Allele origin: germline.
Comment: This sequence change creates a premature translational stop signal (p.Glu58*) in the KCNH2 gene. It is expected to result in an absent or disrupted protein product. Loss-of-function variants in KCNH2 are known to be pathogenic (PMID: 10973849, 19862833). This variant is not present in population databases (gnomAD no frequency). This variant has not been reported in the literature in individuals affected with KCNH2-related conditions. For these reasons, this variant has been classified as Pathogenic.

Literature cited by the submitters: PubMed 10973849; PubMed 19862833.